The following is an entry in ClinVar:

ClinVar aggregate classification (germline): Uncertain significance (1 of 4 stars; one submission).

Conditions:
Immunodeficiency 35 (IMD35). Also called: Susceptibility to infection due to TYK2 deficiency; TYK2 DEFICIENCY; HIES WITH ATYPICAL MYCOBACTERIOSIS, AUTOSOMAL RECESSIVE; HYPER-IgE SYNDROME WITH ATYPICAL MYCOBACTERIOSIS, AUTOSOMAL RECESSIVE. Identifiers: Orphanet 331226, MedGen C1969086, MONDO:0012682, OMIM 611521.

Allele frequency attached by ClinVar (database versions not stated): gnomAD exomes below 0.00001.

Submission:

Labcorp Genetics (formerly Invitae), Labcorp
Classification: Uncertain significance for Immunodeficiency 35. Last evaluated: 2022-06-03. Review status: criteria provided, single submitter. Criteria: Invitae Variant Classification Sherloc (09022015). Collection method: clinical testing. Allele origin: germline.
Comment: This variant is not present in population databases (gnomAD no frequency). In summary, the available evidence is currently insufficient to determine the role of this variant in disease. Therefore, it has been classified as a Variant of Uncertain Significance. Algorithms developed to predict the effect of missense changes on protein structure and function are either unavailable or do not agree on the potential impact of this missense change (SIFT: "Not Available"; PolyPhen-2: "Benign"; Align-GVGD: "Not Available"). ClinVar contains an entry for this variant (Variation ID: 1492432). This variant has not been reported in the literature in individuals affected with TYK2-related conditions. This sequence change replaces glutamic acid, which is acidic and polar, with alanine, which is neutral and non-polar, at codon 1050 of the TYK2 protein (p.Glu1050Ala).

NM_003331.5(TYK2):c.3149A>C (p.Glu1050Ala)

Gene: TYK2 (tyrosine kinase 2; minus strand). Cytogenetic location: 19p13.2.
Variant type: single nucleotide variant.
Coding change: c.3149A>C on transcript NM_003331.5 (MANE Select); coding-DNA position 3149, A replaced by C.
Protein change: p.Glu1050Ala; replaces glutamic acid 1050 with alanine.
Molecular consequence: missense variant.
Genome position (GRCh38, 1-based): chr19:10,352,977, T>G on the plus strand (A>C on the coding strand, the complement: TYK2 is on the minus strand). VCF-style: chr19-10352977-T-G. GRCh37 (hg19) VCF-style: chr19-10463653-T-G.
Other names: c.3149A>C, p.Glu1050Ala (NM_001385197.1, NM_001385198.1); c.2963A>C, p.Glu988Ala (NM_001385199.1); c.3146A>C, p.Glu1049Ala (NM_001385200.1); c.2951A>C, p.Glu984Ala (NM_001385201.1); c.3065A>C, p.Glu1022Ala (NM_001385202.1); c.3230A>C, p.Glu1077Ala (NM_001385203.1); c.3359A>C, p.Glu1120Ala (NM_001385204.1); c.3059A>C, p.Glu1020Ala (NM_001385205.1); and 2 more; short protein forms E1050A, E1044A, E1077A, E988A, E1008A, E1120A, E984A, E1020A.
Identifiers: ClinVar variation 1492432 (VCV001492432.8), dbSNP rs1568326297, ClinGen allele CA403983496.
Genomic context (GRCh38, chr19:10,352,977, plus strand): 5'-CCTGGTCACCAGAACACGGGGCTGTCCCCATCCTCGCGCACGCGGTAGTACTCGTGGCCT[T>G]CGGGCACGGCCTTGGCTAGGCCAAAGTCCCCGATCTTGACCAGCCTGTCGTTGTCCAGCA-3'
Protein context (NP_003322.3, residues 1040-1060): GDFGLAKAVP[Glu1050Ala]GHEYYRVRED